The following is an entry in ClinVar:

NM_018062.4(FANCL):c.548T>A (p.Leu183Ter)

Gene: FANCL (FA complementation group L; minus strand). Cytogenetic location: 2p16.1.
Variant type: single nucleotide variant.
Coding change: c.548T>A on transcript NM_018062.4 (MANE Select); coding-DNA position 548, T replaced by A.
Protein change: p.Leu183Ter; replaces leucine 183 with a stop codon.
Molecular consequence: nonsense.
Genome position (GRCh38, 1-based): chr2:58,165,867, A>T on the plus strand (T>A on the coding strand, the complement: FANCL is on the minus strand). VCF-style: chr2-58165867-A-T. GRCh37 (hg19) VCF-style: chr2-58393002-A-T.
Other names: c.563T>A, p.Leu188Ter (NM_001114636.2); c.593T>A, p.Leu198Ter (NM_001374615.1); c.608T>A, p.Leu203Ter (NM_001410792.1); short protein forms L183*, L203*, L188*, L198*.
Identifiers: ClinVar variation 2846217 (VCV002846217.3), dbSNP rs1174029388, ClinGen allele CA346938151.

ClinVar aggregate classification (germline): Pathogenic (1 of 4 stars; one submission).

Conditions:
Fanconi anemia (FA). Also called: Fanconi's anemia. Identifiers: Orphanet 84, MedGen C0015625, MeSH D005199, MONDO:0019391.

gnomAD v4.1: 1 of 1,614,008 alleles (0.000062%); highest among the groups gnomAD compares: Non-Finnish European, 0.000085%; no homozygotes.

Submission:

Labcorp Genetics (formerly Invitae), Labcorp
Classification: Pathogenic for Fanconi anemia. Last evaluated: 2023-03-16. Review status: criteria provided, single submitter. Criteria: Invitae Variant Classification Sherloc (09022015). Collection method: clinical testing. Allele origin: germline.
Comment: For these reasons, this variant has been classified as Pathogenic. This variant has not been reported in the literature in individuals affected with FANCL-related conditions. This variant is not present in population databases (gnomAD no frequency). This sequence change creates a premature translational stop signal (p.Leu183*) in the FANCL gene. It is expected to result in an absent or disrupted protein product. Loss-of-function variants in FANCL are known to be pathogenic (PMID: 19405097, 23613520).

Literature cited by the submitters: PubMed 19405097; PubMed 23613520.